The following is an entry in ClinVar:

NM_017780.4(CHD7):c.5436C>T (p.Asp1812=)

Gene: CHD7 (chromodomain helicase DNA binding protein 7; plus strand). Cytogenetic location: 8q12.2.
Variant type: single nucleotide variant.
Coding change: c.5436C>T on transcript NM_017780.4 (MANE Select); coding-DNA position 5436, C replaced by T.
Protein change: p.Asp1812=; no amino-acid change (aspartic acid 1812 retained).
Molecular consequence: synonymous variant. On other transcripts: intron variant (1).
Genome position (GRCh38, 1-based): chr8:60,850,524, C>T. VCF-style: chr8-60850524-C-T. GRCh37 (hg19) VCF-style: chr8-61763083-C-T.
Other names: c.1717-11705C>T (NM_001316690.1).
Identifiers: ClinVar variation 4873453 (VCV004873453.2).

ClinVar aggregate classification (germline): Uncertain significance (1 of 4 stars; one submission).

gnomAD v4.1: 1 of 1,613,732 alleles (0.000062%); highest among the groups gnomAD compares: East Asian, 0.0022%; no homozygotes.

Submission:

CeGaT Center for Human Genetics Tuebingen
Classification: Uncertain significance. Last evaluated: 2026-06-01. Review status: criteria provided, single submitter. Criteria: CeGaT Center For Human Genetics Tuebingen Variant Classification Criteria Version 2. Collection method: clinical testing. Allele origin: germline. Affected: yes. Observed: 1 variant allele.
Comment: CHD7: PM2:Supporting, BP4